The following is an entry in ClinVar:

NM_001370259.2(MEN1):c.938A>G (p.Tyr313Cys)

Gene: MEN1 (menin 1; minus strand). Cytogenetic location: 11q13.1.
Variant type: single nucleotide variant.
Coding change: c.938A>G on transcript NM_001370259.2 (MANE Select); coding-DNA position 938, A replaced by G.
Protein change: p.Tyr313Cys; replaces tyrosine 313 with cysteine.
Molecular consequence: missense variant. On other transcripts: non-coding transcript variant (4).
Genome position (GRCh38, 1-based): chr11:64,806,343, T>C on the plus strand (A>G on the coding strand, the complement: MEN1 is on the minus strand). VCF-style: chr11-64806343-T-C. GRCh37 (hg19) VCF-style: chr11-64573815-T-C.
Other names: c.953A>G, p.Tyr318Cys (NM_000244.4, NM_001407145.1, NM_001407150.1 and 5 more transcripts); c.938A>G, p.Tyr313Cys (NM_001370251.2, NM_001370260.2, NM_001370261.2 and 7 more transcripts); c.833A>G, p.Tyr278Cys (NM_001370262.2, NM_001370263.2, NM_001407148.1 and 2 more transcripts); short protein forms Y278C, Y313C, Y318C.
Identifiers: ClinVar variation 4646095 (VCV004646095.3).

ClinVar aggregate classification (germline): Uncertain significance. Review status: criteria provided, multiple submitters, no conflicts (2 of 4 stars). 2 submissions from 2 submitters: Uncertain significance (2). Last evaluated 2026-04-29.

Conditions:
Multiple endocrine neoplasia, type 1 (MEN1). Also called: MEA I; MEN I; WERMER SYNDROME; Endocrine adenomatosis multiple; MEN 1. Identifiers: Orphanet 652, MedGen C0025267, MeSH D018761, MONDO:0007540, OMIM 131100.
Hereditary cancer-predisposing syndrome. Also called: Neoplastic Syndromes, Hereditary; Tumor predisposition; Hereditary Cancer Syndrome; Hereditary neoplastic syndrome. Identifiers: Orphanet 140162, MedGen C0027672, MeSH D009386, MONDO:0015356.

Submissions (2):

Ambry Genetics
Classification: Uncertain significance for Hereditary cancer-predisposing syndrome. Last evaluated: 2026-04-29. Review status: criteria provided, single submitter. Criteria: Ambry Variant Classification Scheme 2023. Collection method: clinical testing. Allele origin: germline.
Comment: The p.Y313C variant (also known as c.938A>G), located in coding exon 6 of the MEN1 gene, results from an A to G substitution at nucleotide position 938. The tyrosine at codon 313 is replaced by cysteine, an amino acid with highly dissimilar properties. This amino acid position is conserved. In addition, this alteration is predicted to be deleterious by in silico analysis. Based on the available evidence, the clinical significance of this variant remains unclear.

Color Diagnostics, LLC DBA Color Health
Classification: Uncertain significance for Multiple endocrine neoplasia, type 1. Last evaluated: 2025-09-11. Review status: criteria provided, single submitter. Criteria: ACMG Guidelines, 2015. Collection method: clinical testing. Allele origin: germline.
Comment: This missense variant replaces tyrosine with cysteine at codon 313 of the MEN1 protein. Computational prediction suggests that this variant may have deleterious impact on protein structure and function. To our knowledge, functional studies have not been reported for this variant. This variant has not been reported in individuals affected with MEN1-related disorders in the literature. This variant has not been identified in the general population by the Genome Aggregation Database (gnomAD). The available evidence is insufficient to determine the role of this variant in disease conclusively. Therefore, this variant is classified as a Variant of Uncertain Significance.